The following is an entry in ClinVar:

NM_000321.3(RB1):c.1499-10dup

Gene: RB1 (RB transcriptional corepressor 1; plus strand). Cytogenetic location: 13q14.2.
Variant type: Duplication.
Coding change: c.1499-10dup on transcript NM_000321.3 (MANE Select); 10 bases into the intron before coding-DNA position 1499, one base duplicated (T; older notation c.1499-10dupT).
Molecular consequence: intron variant.
Genome position (GRCh38, 1-based): chr13:48,381,237, T duplicated; the last of 10 consecutive T bases (chr13:48,381,228-48,381,237); duplicating any one gives the same sequence. VCF-style (leftmost placement, unchanged base first): chr13-48381227-C-CT. GRCh37 (hg19) VCF-style: chr13-48955363-C-CT.
Identifiers: ClinVar variation 1552520 (VCV001552520.10), dbSNP rs148580581, ClinGen allele CA6978898.

ClinVar aggregate classification (germline): Benign/Likely benign. Review status: criteria provided, multiple submitters, no conflicts (2 of 4 stars). 3 submissions from 3 submitters: Benign (2); Likely benign (1). Last evaluated 2026-06-18.

Conditions:
Retinoblastoma (RB1). Also called: RETINOBLASTOMA, SOMATIC. Identifiers: Orphanet 790, MedGen C0035335, MeSH D012175, MONDO:0008380, OMIM 180200, HP:0009919. Disease mechanism: loss of function. Inheritance: Both sporadic and heritable forms are tested..

Submissions (3):

Myriad Genetics, Inc.
Classification: Likely benign for Retinoblastoma. Last evaluated: 2026-06-18. Review status: criteria provided, single submitter. Criteria: Myriad Autosomal Dominant, Autosomal Recessive and X-Linked Classification Criteria (2023). Collection method: clinical testing. Allele origin: unknown.
Comment: This variant is considered likely benign. This variant is intronic and is not expected to impact mRNA splicing.

Labcorp Genetics (formerly Invitae), Labcorp
Classification: Benign for Retinoblastoma. Last evaluated: 2026-02-01. Review status: criteria provided, single submitter. Criteria: Invitae Variant Classification Sherloc (09022015). Collection method: clinical testing. Allele origin: germline.

Blueprint Genetics
Classification: Benign. Last evaluated: 2024-11-27. Review status: criteria provided, single submitter. Criteria: ACMG Guidelines, 2015. Collection method: clinical testing. Allele origin: germline.